The following is an entry in ClinVar:

NM_002335.4(LRP5):c.1328C>T (p.Thr443Met)

Gene: LRP5 (LDL receptor related protein 5; plus strand). Cytogenetic location: 11q13.2.
Variant type: single nucleotide variant.
Coding change: c.1328C>T on transcript NM_002335.4 (MANE Select); coding-DNA position 1328, C replaced by T.
Protein change: p.Thr443Met; replaces threonine 443 with methionine.
Molecular consequence: missense variant. On other transcripts: 5 prime UTR variant (1).
Genome position (GRCh38, 1-based): chr11:68,386,628, C>T. VCF-style: chr11-68386628-C-T. GRCh37 (hg19) VCF-style: chr11-68154096-C-T.
Other names: c.-438C>T (NM_001291902.2); short protein forms T443M.
Identifiers: ClinVar variation 852021 (VCV000852021.34), dbSNP rs200416179, ClinGen allele CA6149303.

ClinVar aggregate classification (germline): Uncertain significance. Review status: criteria provided, multiple submitters, no conflicts (2 of 4 stars). 4 submissions from 4 submitters: Uncertain significance (4). Last evaluated 2026-06-24.

Conditions:
Exudative vitreoretinopathy 4 (EVR4). Identifiers: Orphanet 891, MedGen C1866176, MONDO:0011151, OMIM 601813.
Worth disease. Also called: ENDOSTEAL HYPEROSTOSIS, AUTOSOMAL DOMINANT; Autosomal dominant osteosclerosis, Worth type; OSTEOSCLEROSIS, AUTOSOMAL DOMINANT. Identifiers: Orphanet 2790, MedGen C0432273, MONDO:0007764, OMIM 144750.
Osteoporosis with pseudoglioma (OPPG). Also called: osteoporosis-pseudoglioma syndrome. Identifiers: Orphanet 2788, MedGen C0432252, MONDO:0009820, OMIM 259770.
Exudative vitreoretinopathy 1 (EVR1). Also called: FEVR, AUTOSOMAL DOMINANT; Familial exudative vitreoretinopathy, autosomal dominant; CRISWICK-SCHEPENS SYNDROME. Identifiers: Orphanet 891, Orphanet 90050, MedGen C1851402, MONDO:0007589, OMIM 133780.
Bone mineral density quantitative trait locus 1 (BMND1). Identifiers: MedGen C1866079, OMIM 601884.
Autosomal dominant osteopetrosis 1 (OPTA1). Also called: OSTEOPETROSIS, AUTOSOMAL DOMINANT, TYPE I. Identifiers: Orphanet 2783, MedGen C1843330, MONDO:0011877, OMIM 607634.
Polycystic liver disease 4 with or without kidney cysts. Identifiers: MedGen C4693479, MONDO:0044327, OMIM 617875.
Osteoporosis. Identifiers: MedGen C0029456, MONDO:0005298, OMIM 166710, HP:0000939.
LRP5-related disorder. Also called: LRP5-related condition.

Allele frequency attached by ClinVar (database versions not stated): ExAC 0.00002; gnomAD exomes 0.00002; gnomAD 0.00007; ESP Exome Variant Server 0.00008; 1000 Genomes Project 30x 0.00016; 1000 Genomes Project 0.00020; TOPMed 0.00026.
gnomAD v4.1: 35 of 1,613,596 alleles (0.0022%); highest among the groups gnomAD compares: Admixed American, 0.025%; no homozygotes.

Submissions (4):

PreventionGenetics, part of Exact Sciences
Classification: Uncertain significance for LRP5-related condition. Last evaluated: 2026-06-24. Review status: criteria provided, single submitter. Criteria: ACMG Guidelines, 2015. Collection method: clinical testing. Allele origin: germline.
Comment: The LRP5 c.1328C>T variant is predicted to result in the amino acid substitution p.Thr443Met. To our knowledge, this variant has not been reported in the literature. This variant is present in 0.0040% of alleles in individuals of African descent in gnomAD. At this time, the clinical significance of this variant is uncertain due to the absence of conclusive functional and genetic evidence.

Labcorp Genetics (formerly Invitae), Labcorp
Classification: Uncertain significance. Last evaluated: 2025-11-17. Review status: criteria provided, single submitter. Criteria: Invitae Variant Classification Sherloc (09022015). Collection method: clinical testing. Allele origin: germline.
Comment: This sequence change replaces threonine, which is neutral and polar, with methionine, which is neutral and non-polar, at codon 443 of the LRP5 protein (p.Thr443Met). This variant is present in population databases (rs200416179, gnomAD 0.004%). This variant has not been reported in the literature in individuals affected with LRP5-related conditions. ClinVar contains an entry for this variant (Variation ID: 852021). Invitae Evidence Modeling of protein sequence and biophysical properties (such as structural, functional, and spatial information, amino acid conservation, physicochemical variation, residue mobility, and thermodynamic stability) has been performed for this missense variant. However, the output from this modeling did not meet the statistical confidence thresholds required to predict the impact of this variant on LRP5 protein function. In summary, the available evidence is currently insufficient to determine the role of this variant in disease. Therefore, it has been classified as a Variant of Uncertain Significance.

CeGaT Center for Human Genetics Tuebingen
Classification: Uncertain significance. Last evaluated: 2022-09-01. Review status: criteria provided, single submitter. Criteria: CeGaT Center For Human Genetics Tuebingen Variant Classification Criteria Version 2. Collection method: clinical testing. Allele origin: germline. Affected: yes. Observed: 1 variant allele.

Fulgent Genetics
Classification: Uncertain significance for Exudative vitreoretinopathy 1; Worth disease; Osteoporosis; Osteoporosis with pseudoglioma; Exudative vitreoretinopathy 4; Bone mineral density quantitative trait locus 1; Autosomal dominant osteopetrosis 1; Polycystic liver disease 4 with or without kidney cysts. Last evaluated: 2022-03-05. Review status: criteria provided, single submitter. Criteria: ACMG Guidelines, 2015. Collection method: clinical testing. Allele origin: unknown.